The following is an entry in ClinVar:

NM_001079872.2(CUL4B):c.1515A>C (p.Lys505Asn)

Gene: CUL4B (cullin 4B; minus strand). Cytogenetic location: Xq24.
Variant type: single nucleotide variant.
Coding change: c.1515A>C on transcript NM_001079872.2 (MANE Select); coding-DNA position 1515, A replaced by C.
Protein change: p.Lys505Asn; replaces lysine 505 with asparagine.
Molecular consequence: missense variant.
Genome position (GRCh38, 1-based): chrX:120,540,491, T>G on the plus strand (A>C on the coding strand, the complement: CUL4B is on the minus strand). VCF-style: chrX-120540491-T-G. GRCh37 (hg19) VCF-style: chrX-119674346-T-G.
Other names: c.1530A>C, p.Lys510Asn (NM_001330624.2); c.981A>C, p.Lys327Asn (NM_001369145.1); c.1569A>C, p.Lys523Asn (NM_003588.4); short protein forms K505N, K523N, K510N, K327N.
Identifiers: ClinVar variation 4709555 (VCV004709555.1).

ClinVar aggregate classification (germline): Uncertain significance (1 of 4 stars; one submission).

Conditions:
X-linked intellectual disability Cabezas type (MRXSC). Also called: CABEZAS SYNDROME; MENTAL RETARDATION, X-LINKED, SYNDROMIC 15; Intellectual developmental disorder, X-linked syndromic, Cabezas type. Identifiers: Orphanet 85289, Orphanet 85293, MedGen C1845861, MONDO:0010306, OMIM 300354.

Submission:

Labcorp Genetics (formerly Invitae), Labcorp
Classification: Uncertain significance for X-linked intellectual disability Cabezas type. Last evaluated: 2025-04-25. Review status: criteria provided, single submitter. Criteria: Invitae Variant Classification Sherloc (09022015). Collection method: clinical testing. Allele origin: germline.
Comment: This sequence change replaces lysine, which is basic and polar, with asparagine, which is neutral and polar, at codon 523 of the CUL4B protein (p.Lys523Asn). This variant is not present in population databases (gnomAD no frequency). This variant has not been reported in the literature in individuals affected with CUL4B-related conditions. Invitae Evidence Modeling of protein sequence and biophysical properties (such as structural, functional, and spatial information, amino acid conservation, physicochemical variation, residue mobility, and thermodynamic stability) indicates that this missense variant is expected to disrupt CUL4B protein function with a positive predictive value of 95%. In summary, the available evidence is currently insufficient to determine the role of this variant in disease. Therefore, it has been classified as a Variant of Uncertain Significance.